The following is an entry in ClinVar:

NM_000719.7(CACNA1C):c.3598C>T (p.Arg1200Trp)

Gene: CACNA1C (calcium voltage-gated channel subunit alpha1 C; plus strand). Cytogenetic location: 12p13.33.
Variant type: single nucleotide variant.
Coding change: c.3598C>T on transcript NM_000719.7 (MANE Select); coding-DNA position 3598, C replaced by T.
Protein change: p.Arg1200Trp; replaces arginine 1200 with tryptophan.
Molecular consequence: missense variant.
Genome position (GRCh38, 1-based): chr12:2,610,580, C>T. VCF-style: chr12-2610580-C-T. GRCh37 (hg19) VCF-style: chr12-2719746-C-T.
Other names: c.3658C>T, p.Arg1220Trp (NM_001129827.2, NM_001129832.2, NM_199460.4); c.3598C>T, p.Arg1200Trp (NM_001129829.2, NM_001129830.3, NM_001129831.2 and 15 more transcripts); c.3589C>T, p.Arg1197Trp (NM_001129844.2); short protein forms R1197W, R1200W, R1220W.
Identifiers: ClinVar variation 3039929 (VCV003039929.4), dbSNP rs2518838734, ClinGen allele CA383376604.

ClinVar aggregate classification (germline): Uncertain significance. Review status: criteria provided, single submitter (1 of 4 stars). 2 submissions from 2 submitters: Uncertain significance (1). 1 of the submissions does not count toward it. Last evaluated 2026-02-04.

Conditions:
CACNA1C-related disorder. Also called: CACNA1C-related disorders; CACNA1C-related condition. Identifiers: MedGen CN381092, MONDO:0700321.

gnomAD v4.1: 1 of 1,614,028 alleles (0.000062%); no homozygotes.

Submissions (2):

GeneDx
Classification: Uncertain significance. Last evaluated: 2026-02-04. Review status: criteria provided, single submitter. Criteria: GeneDx Variant Classification Process June 2021. Collection method: clinical testing. Allele origin: germline.
Comment: Not observed at significant frequency in large population cohorts (gnomAD); In silico analysis supports that this missense variant has a deleterious effect on protein structure/function; Has not been previously published as pathogenic or benign to our knowledge

PreventionGenetics, part of Exact Sciences
Classification: Uncertain significance for CACNA1C-related condition. Last evaluated: 2024-02-20. Review status: no assertion criteria provided. Collection method: clinical testing. Allele origin: germline. Not counted in ClinVar's aggregate classification.
Comment: The CACNA1C c.3598C>T variant is predicted to result in the amino acid substitution p.Arg1200Trp. To our knowledge, this variant has not been reported in the literature or in a large population database, indicating this variant is rare. At this time, the clinical significance of this variant is uncertain due to the absence of conclusive functional and genetic evidence.